The following is an entry in ClinVar:

ClinVar aggregate classification (germline): Pathogenic (1 of 4 stars; one submission).

Conditions:
Multiple congenital exostosis (EXT). Also called: Multiple exostoses; Hereditary multiple exostoses; Hereditary multiple exostosis; Hereditary multiple osteochondromas; MULTIPLE CARTILAGINOUS EXOSTOSES; Multiple osteochondromas. Identifiers: Orphanet 321, MedGen C0015306, MONDO:0005508, HP:0002762.

Submission:

Labcorp Genetics (formerly Invitae), Labcorp
Classification: Pathogenic for Multiple congenital exostosis. Last evaluated: 2019-09-17. Review status: criteria provided, single submitter. Criteria: Invitae Variant Classification Sherloc (09022015). Collection method: clinical testing. Allele origin: germline.
Comment: This sequence change creates a premature translational stop signal (p.Asn44Metfs*92) in the EXT1 gene. It is expected to result in an absent or disrupted protein product. This variant is not present in population databases (ExAC no frequency). This variant has not been reported in the literature in individuals with EXT1-related conditions. Loss-of-function variants in EXT1 are known to be pathogenic (PMID: 10679937, 11391482, 19810120). For these reasons, this variant has been classified as Pathogenic.

Literature cited by the submitters: PubMed 10679937; PubMed 11391482; PubMed 19810120.

NM_000127.3(EXT1):c.129del (p.Asn44fs)

Gene: EXT1 (exostosin glycosyltransferase 1; minus strand). Cytogenetic location: 8q24.11.
Variant type: Deletion.
Coding change: c.129del on transcript NM_000127.3 (MANE Select); coding-DNA position 129, one base deleted (G; older notation c.129delG).
Protein change: p.Asn44fs; shifts the reading frame from asparagine 44.
Molecular consequence: frameshift variant.
Genome position (GRCh38, 1-based): chr8:118,110,918, C deleted on the plus strand (G on the coding strand, the reverse complement: EXT1 is on the minus strand); the first of 2 consecutive C bases (chr8:118,110,918-118,110,919); deleting either gives the same sequence. VCF-style (leftmost placement, unchanged base first): chr8-118110917-TC-T. GRCh37 (hg19) VCF-style: chr8-119123156-TC-T.
Other names: short protein forms N44fs.
Identifiers: ClinVar variation 936297 (VCV000936297.7), dbSNP rs1817890492, ClinGen allele CA1139660755.